The following is an entry in ClinVar:

ClinVar aggregate classification (germline): Pathogenic/Likely pathogenic. Review status: criteria provided, multiple submitters, no conflicts (2 of 4 stars). 2 submissions from 2 submitters: Pathogenic (1); Likely pathogenic (1). Last evaluated 2025-02-03.

Conditions:
Hereditary nonpolyposis colorectal neoplasms. Identifiers: MedGen C0009405, MeSH D003123.
Hereditary cancer-predisposing syndrome. Also called: Hereditary neoplastic syndrome; Tumor predisposition; Hereditary Cancer Syndrome; Neoplastic Syndromes, Hereditary. Identifiers: Orphanet 140162, MedGen C0027672, MeSH D009386, MONDO:0015356.

Submissions (2):

Ambry Genetics
Classification: Likely pathogenic for Hereditary cancer-predisposing syndrome. Last evaluated: 2025-02-03. Review status: criteria provided, single submitter. Criteria: Ambry Variant Classification Scheme 2023. Collection method: clinical testing. Allele origin: germline.
Comment: The c.3886_3917dup32 variant, located in coding exon 9 of the MSH6 gene, results from a duplication of AAAAGCTATGGCTTTAATGCAGCAAGGCTTGC at nucleotide position 3886, causing a translational frameshift with a predicted alternate stop codon (p.N1307Kfs*31). This alteration occurs at the 3' terminus of theMSH6 gene, is not expected to trigger nonsense-mediated mRNA decay, and impacts the last 4.01% of the protein. However, premature stop codons are typically deleterious in nature and the impacted region is critical for protein function (Ambry internal data). This variant is considered to be rare based on population cohorts in the Genome Aggregation Database (gnomAD). Based on the majority of available evidence to date, this variant is likely to be pathogenic.

Labcorp Genetics (formerly Invitae), Labcorp
Classification: Pathogenic for Hereditary nonpolyposis colorectal neoplasms. Last evaluated: 2020-06-25. Review status: criteria provided, single submitter. Criteria: Invitae Variant Classification Sherloc (09022015). Collection method: clinical testing. Allele origin: germline.
Comment: This variant is not present in population databases (ExAC no frequency). This sequence change results in a premature translational stop signal in the MSH6 gene (p.Asn1307Lysfs*31). While this is not anticipated to result in nonsense mediated decay, it is expected to disrupt the last 54 amino acids of the MSH6 protein. This variant has not been reported in the literature in individuals with MSH6-related conditions. For these reasons, this variant has been classified as Pathogenic. This variant disrupts the C-terminus of the MSH6 protein. Other variant(s) that disrupt this region (p.Leu1330Valfs*12) have been determined to be pathogenic (PMID: 14520694, 15236168, 16237223, 19851887, 21155762, 24440087, 26440929). This suggests that variants that disrupt this region of the protein are likely to be causative of disease. Algorithms developed to predict the effect of sequence changes on RNA splicing suggest that this variant may create or strengthen a splice site, but this prediction has not been confirmed by published transcriptional studies.

Literature cited by the submitters: PubMed 14520694 (cited by Labcorp Genetics (formerly Invitae), Labcorp); PubMed 15236168 (cited by Labcorp Genetics (formerly Invitae), Labcorp); PubMed 16237223 (cited by Labcorp Genetics (formerly Invitae), Labcorp); PubMed 19851887 (cited by Labcorp Genetics (formerly Invitae), Labcorp); PubMed 21155762 (cited by Labcorp Genetics (formerly Invitae), Labcorp); PubMed 24440087 (cited by Labcorp Genetics (formerly Invitae), Labcorp); PubMed 26440929 (cited by Labcorp Genetics (formerly Invitae), Labcorp).

NM_000179.3(MSH6):c.3886_3917dup (p.Asn1307fs)

Gene: MSH6 (mutS homolog 6; plus strand). Cytogenetic location: 2p16.3.
Variant type: Duplication.
Coding change: c.3886_3917dup on transcript NM_000179.3 (MANE Select); coding-DNA positions 3886 to 3917, 32 bases duplicated.
Protein change: p.Asn1307fs; shifts the reading frame from asparagine 1307.
Molecular consequence: frameshift variant.
Genome position (GRCh38, 1-based): chr2:47,806,536-47,806,567, 32 bases duplicated. GRCh37 (hg19): chr2:48,033,675-48,033,706.
Other names: c.2980_3011dup, p.Asn1005fs (NM_001281494.2, NM_001281493.2); c.3496_3527dup, p.Asn1177fs (NM_001281492.2); c.3886_3917dupAAAAGCTATGGCTTTAATGCAGCAAGGCTTGC (NM_000179.2); short protein forms N1005fs, N1177fs, N1307fs.
Identifiers: ClinVar variation 1068799 (VCV001068799.11), dbSNP rs2104558402, ClinGen allele CA2499216140.